The following is an entry in ClinVar:

ClinVar aggregate classification (germline): Uncertain significance (1 of 4 stars; one submission).

gnomAD v4.1: 1 of 1,613,886 alleles (0.000062%); no homozygotes.

Submission:

Dasa
Classification: Uncertain significance. Last evaluated: 2025-06-10. Review status: criteria provided, single submitter. Criteria: DASA Assertion Criteria. Collection method: clinical testing. Allele origin: germline.
Comment: NM_001184.4(ATR):c.4712C>G (p.Ser1571Cys) is a missense variant that results in the substitution of serine with cysteine. This variant is rare in population databases. Computational prediction algorithms are consistent with a benign effect. The currently available literature and clinical evidence are not sufficient to establish a definitive association between this variant and the reported condition. Therefore, this variant is classified as a variant of uncertain significance.

NM_001184.4(ATR):c.4712C>G (p.Ser1571Cys)

Gene: ATR (ATR checkpoint kinase; minus strand). Cytogenetic location: 3q23.
Variant type: single nucleotide variant.
Coding change: c.4712C>G on transcript NM_001184.4 (MANE Select); coding-DNA position 4712, C replaced by G.
Protein change: p.Ser1571Cys; replaces serine 1571 with cysteine.
Molecular consequence: missense variant.
Genome position (GRCh38, 1-based): chr3:142,512,400, G>C on the plus strand (C>G on the coding strand, the complement: ATR is on the minus strand). VCF-style: chr3-142512400-G-C. GRCh37 (hg19) VCF-style: chr3-142231242-G-C.
Other names: c.4520C>G, p.Ser1507Cys (NM_001354579.2); short protein forms S1507C, S1571C.
Identifiers: ClinVar variation 4882067 (VCV004882067.2).